The following is an entry in ClinVar:

ClinVar aggregate classification (germline): Benign. Review status: criteria provided, single submitter (1 of 4 stars). 2 submissions from 2 submitters: Benign (1). 1 of the submissions does not count toward it. Last evaluated 2024-11-27.

Conditions:
NUP214-related disorder. Also called: NUP214-related condition; NUP214-related disorders.

Allele frequency attached by ClinVar (database versions not stated): ExAC 0.33092; 1000 Genomes Project 30x 0.34432; 1000 Genomes Project 0.34645; TOPMed 0.29727; ESP Exome Variant Server 0.30217; gnomAD 0.31191; gnomAD exomes 0.31922.
gnomAD v4.1: 514,045 of 1,613,128 alleles (32%); highest among the groups gnomAD compares: South Asian, 45%; 83,687 homozygotes.

Submissions (2):

Blueprint Genetics
Classification: Benign. Last evaluated: 2024-11-27. Review status: criteria provided, single submitter. Criteria: ACMG Guidelines, 2015. Collection method: clinical testing. Allele origin: germline.

PreventionGenetics, part of Exact Sciences
Classification: Benign for NUP214-related condition. Last evaluated: 2019-10-22. Review status: no assertion criteria provided. Collection method: clinical testing. Allele origin: germline. Not counted in ClinVar's aggregate classification.
Comment: This variant is classified as benign based on ACMG/AMP sequence variant interpretation guidelines (Richards et al. 2015 PMID: 25741868, with internal and published modifications).

NM_005085.4(NUP214):c.1884A>G (p.Thr628=)

Gene: NUP214 (nucleoporin 214; plus strand). Cytogenetic location: 9q34.13.
Variant type: single nucleotide variant.
Coding change: c.1884A>G on transcript NM_005085.4 (MANE Select); coding-DNA position 1884, A replaced by G.
Protein change: p.Thr628=; no amino-acid change (threonine 628 retained).
Molecular consequence: synonymous variant.
Genome position (GRCh38, 1-based): chr9:131,146,243, A>G. VCF-style: chr9-131146243-A-G. GRCh37 (hg19) VCF-style: chr9-134021630-A-G.
Other names: c.1851A>G, p.Thr617= (NM_001318324.2).
Identifiers: ClinVar variation 3060779 (VCV003060779.3), dbSNP rs2296710, ClinGen allele CA5289135.